The following is an entry in ClinVar:

NM_000052.7(ATP7A):c.1455G>T (p.Lys485Asn)

Gene: ATP7A (ATPase copper transporting alpha; plus strand). Cytogenetic location: Xq21.1.
Variant type: single nucleotide variant.
Coding change: c.1455G>T on transcript NM_000052.7 (MANE Select); coding-DNA position 1455, G replaced by T.
Protein change: p.Lys485Asn; replaces lysine 485 with asparagine.
Molecular consequence: missense variant.
Genome position (GRCh38, 1-based): chrX:77,998,596, G>T. VCF-style: chrX-77998596-G-T. GRCh37 (hg19) VCF-style: chrX-77254093-G-T.
Other names: c.1455G>T, p.Lys485Asn (NM_001282224.2); c.1455G>T (NM_000052.6); short protein forms K485N.
Identifiers: ClinVar variation 1083889 (VCV001083889.10), dbSNP rs782083382, ClinGen allele CA10459051.

ClinVar aggregate classification (germline): Conflicting classifications of pathogenicity. Review status: criteria provided, conflicting classifications (1 of 4 stars). 2 submissions from 2 submitters: Uncertain significance (1); Likely benign (1). Last evaluated 2025-10-27.

Conditions:
ATP7A-related disorder. Also called: ATP7A-related condition.
Menkes kinky-hair syndrome (MNK). Also called: Menkes Disease; Classic Menkes Disease; Copper transport disease. Identifiers: Orphanet 565, MedGen C0022716, MONDO:0010651, OMIM 309400.
X-linked distal spinal muscular atrophy type 3. Also called: ATP7A-Related Distal Motor Neuropathy; NEURONOPATHY, DISTAL HEREDITARY MOTOR, X-LINKED; NEUROPATHY, DISTAL HEREDITARY MOTOR, X-LINKED; SPINAL MUSCULAR ATROPHY, DISTAL, X-LINKED RECESSIVE. Identifiers: Orphanet 139557, MedGen C1845359, MONDO:0010338, OMIM 300489.
Cutis laxa, X-linked (OHS). Also called: EDS IX; Occipital horn syndrome. Identifiers: Orphanet 198, MedGen C0268353, MONDO:0010572, OMIM 304150.

Allele frequency attached by ClinVar (database versions not stated): TOPMed below 0.00001; gnomAD 0.00002; gnomAD exomes 0.00003; ExAC 0.00005.
gnomAD v4.1: 13 of 1,210,408 alleles (0.0011%); highest among the groups gnomAD compares: Non-Finnish European, 0.001%; no homozygotes.

Submissions (2):

PreventionGenetics, part of Exact Sciences
Classification: Uncertain significance for ATP7A-related condition. Last evaluated: 2025-10-27. Review status: criteria provided, single submitter. Criteria: ACMG Guidelines, 2015. Collection method: clinical testing. Allele origin: germline.
Comment: The ATP7A c.1455G>T variant is predicted to result in the amino acid substitution p.Lys485Asn. To our knowledge, this variant has not been reported in the literature. This variant is reported in 0.0086% of alleles in individuals of European (Non-Finnish) descent in gnomAD. Although we suspect that this variant may be benign, at this time, the clinical significance of this variant is uncertain due to the absence of conclusive functional and genetic evidence.

Labcorp Genetics (formerly Invitae), Labcorp
Classification: Likely benign for X-linked distal spinal muscular atrophy type 3; Cutis laxa, X-linked; Menkes kinky-hair syndrome. Last evaluated: 2024-04-25. Review status: criteria provided, single submitter. Criteria: Invitae Variant Classification Sherloc (09022015). Collection method: clinical testing. Allele origin: germline.